The following is an entry in ClinVar:

NM_000235.4(LIPA):c.808A>G (p.Arg270Gly)

Gene: LIPA (lipase A, lysosomal acid type; minus strand). Cytogenetic location: 10q23.31.
Variant type: single nucleotide variant.
Coding change: c.808A>G on transcript NM_000235.4 (MANE Select); coding-DNA position 808, A replaced by G.
Protein change: p.Arg270Gly; replaces arginine 270 with glycine.
Molecular consequence: missense variant.
Genome position (GRCh38, 1-based): chr10:89,223,698, T>C on the plus strand (A>G on the coding strand, the complement: LIPA is on the minus strand). VCF-style: chr10-89223698-T-C. GRCh37 (hg19) VCF-style: chr10-90983455-T-C.
Other names: c.808A>G, p.Arg270Gly (NM_001127605.3); c.460A>G, p.Arg154Gly (NM_001288979.2); short protein forms R270G, R154G.
Identifiers: ClinVar variation 3538430 (VCV003538430.1).

ClinVar aggregate classification (germline): Uncertain significance (1 of 4 stars; one submission).

Conditions:
Cardiovascular phenotype. Identifiers: MedGen CN230736.

Submission:

Ambry Genetics
Classification: Uncertain significance for Cardiovascular phenotype. Last evaluated: 2024-07-11. Review status: criteria provided, single submitter. Criteria: Ambry Variant Classification Scheme 2023. Collection method: clinical testing. Allele origin: germline.
Comment: The p.R270G variant (also known as c.808A>G), located in coding exon 6 of the LIPA gene, results from an A to G substitution at nucleotide position 808. The arginine at codon 270 is replaced by glycine, an amino acid with dissimilar properties. This amino acid position is conserved. In addition, this alteration is predicted to be tolerated by in silico analysis. Based on the available evidence, the clinical significance of this variant remains unclear.